The following is an entry in ClinVar:

ClinVar aggregate classification (germline): Uncertain significance. Review status: criteria provided, multiple submitters, no conflicts (2 of 4 stars). 2 submissions from 2 submitters: Uncertain significance (2). Last evaluated 2025-03-13.

Allele frequency attached by ClinVar (database versions not stated): TOPMed 0.00005; gnomAD 0.00004; ExAC 0.00001; ESP Exome Variant Server 0.00008.
gnomAD v4.1: 33 of 1,608,482 alleles (0.0021%); highest among the groups gnomAD compares: African/African-American, 0.0094%; no homozygotes.

Submissions (2):

Labcorp Genetics (formerly Invitae), Labcorp
Classification: Uncertain significance. Last evaluated: 2025-03-13. Review status: criteria provided, single submitter. Criteria: Invitae Variant Classification Sherloc (09022015). Collection method: clinical testing. Allele origin: germline.
Comment: This sequence change replaces isoleucine, which is neutral and non-polar, with valine, which is neutral and non-polar, at codon 446 of the SUCO protein (p.Ile446Val). This variant is present in population databases (rs151109285, gnomAD 0.008%). This variant has not been reported in the literature in individuals affected with SUCO-related conditions. ClinVar contains an entry for this variant (Variation ID: 2235624). An algorithm developed to predict the effect of missense changes on protein structure and function (PolyPhen-2) suggests that this variant is likely to be disruptive. In summary, the available evidence is currently insufficient to determine the role of this variant in disease. Therefore, it has been classified as a Variant of Uncertain Significance.

Ambry Genetics
Classification: Uncertain significance. Last evaluated: 2021-07-09. Review status: criteria provided, single submitter. Criteria: Ambry Variant Classification Scheme 2023. Collection method: clinical testing. Allele origin: germline.

NM_014283.5(SUCO):c.1336A>G (p.Ile446Val)

Gene: SUCO (SUN domain containing ossification factor; plus strand). Cytogenetic location: 1q24.3.
Variant type: single nucleotide variant.
Coding change: c.1336A>G on transcript NM_014283.5 (MANE Select); coding-DNA position 1336, A replaced by G.
Protein change: p.Ile446Val; replaces isoleucine 446 with valine.
Molecular consequence: missense variant. On other transcripts: 5 prime UTR variant (1).
Genome position (GRCh38, 1-based): chr1:172,577,815, A>G. VCF-style: chr1-172577815-A-G. GRCh37 (hg19) VCF-style: chr1-172546955-A-G.
Other names: c.1789A>G, p.Ile597Val (NM_016227.4); c.1225A>G, p.Ile409Val (NM_001282750.2); c.-194A>G (NM_001282751.2); short protein forms I446V, I597V, I409V.
Identifiers: ClinVar variation 2235624 (VCV002235624.4), dbSNP rs151109285, ClinGen allele CA1246831.